The following is an entry in ClinVar:

ClinVar aggregate classification (germline): Likely benign (1 of 4 stars; one submission).

Submission:

CeGaT Center for Human Genetics Tuebingen
Classification: Likely benign. Last evaluated: 2025-08-01. Review status: criteria provided, single submitter. Criteria: CeGaT Center For Human Genetics Tuebingen Variant Classification Criteria Version 2. Collection method: clinical testing. Allele origin: germline. Affected: yes. Observed: 1 variant allele.
Comment: TSC1: PM2:Supporting, BP4, BP7

NM_000368.5(TSC1):c.2175A>G (p.Lys725=)

Gene: TSC1 (TSC complex subunit 1; minus strand). Cytogenetic location: 9q34.13.
Variant type: single nucleotide variant.
Coding change: c.2175A>G on transcript NM_000368.5 (MANE Select); coding-DNA position 2175, A replaced by G.
Protein change: p.Lys725=; no amino-acid change (lysine 725 retained).
Molecular consequence: synonymous variant. On other transcripts: non-coding transcript variant (4).
Genome position (GRCh38, 1-based): chr9:132,903,684, T>C on the plus strand (A>G on the coding strand, the complement: TSC1 is on the minus strand). VCF-style: chr9-132903684-T-C. GRCh37 (hg19) VCF-style: chr9-135779071-T-C.
Other names: c.1221A>G, p.Lys407= (NM_001406627.1, NM_001406628.1); c.1122A>G, p.Lys374= (NM_001406629.1, NM_001406630.1); c.1809A>G, p.Lys603= (NM_001406621.1, NM_001406622.1, NM_001406623.1 and 2 more transcripts); c.1812A>G, p.Lys604= (NM_001406624.1, NM_001362177.2, NM_001406614.1 and 5 more transcripts); c.1224A>G, p.Lys408= (NM_001406626.1); c.2172A>G, p.Lys724= (NM_001162426.2, NM_001406597.1, NM_001406598.1 and 4 more transcripts); c.2022A>G, p.Lys674= (NM_001162427.2, NM_001406610.1); c.2175A>G, p.Lys725= (NM_001406592.1, NM_001406593.1, NM_001406594.1 and 5 more transcripts); and 3 more.
Identifiers: ClinVar variation 4085733 (VCV004085733.8).